The following is an entry in ClinVar:

ClinVar aggregate classification (germline): Benign (1 of 4 stars; one submission).

Allele frequency attached by ClinVar (database versions not stated): gnomAD 0.28246 and 0.28327; TOPMed 0.28961; 1000 Genomes Project 0.36601; 1000 Genomes Project 30x 0.36961.
gnomAD v4.1: 42,862 of 152,014 alleles (28%); highest among the groups gnomAD compares: African/African-American, 55%; 8,227 homozygotes.

Submission:

GeneDx
Classification: Benign. Last evaluated: 2018-06-19. Review status: criteria provided, single submitter. Criteria: GeneDx Variant Classification (06012015). Collection method: clinical testing. Allele origin: germline. Affected: yes.
Comment: This variant is considered likely benign or benign based on one or more of the following criteria: it is a conservative change, it occurs at a poorly conserved position in the protein, it is predicted to be benign by multiple in silico algorithms, and/or has population frequency not consistent with disease.

NM_022726.4(ELOVL4):c.288+189G>A

Gene: ELOVL4 (ELOVL fatty acid elongase 4; minus strand). Cytogenetic location: 6q14.1.
Variant type: single nucleotide variant.
Coding change: c.288+189G>A on transcript NM_022726.4 (MANE Select); 189 bases into the intron after coding-DNA position 288, G replaced by A.
Molecular consequence: intron variant.
Genome position (GRCh38, 1-based): chr6:79,926,005, C>T on the plus strand (G>A on the coding strand, the complement: ELOVL4 is on the minus strand). VCF-style: chr6-79926005-C-T. GRCh37 (hg19) VCF-style: chr6-80635722-C-T.
Identifiers: ClinVar variation 680041 (VCV000680041.1), dbSNP rs343629, ClinGen allele CA12437934.